The following is an entry in ClinVar:

ClinVar aggregate classification (germline): Pathogenic. Review status: criteria provided, multiple submitters, no conflicts (2 of 4 stars). 4 submissions from 4 submitters: Pathogenic (3). 1 of the submissions does not count toward it. Last evaluated 2025-01-29.

Conditions:
Hermansky-Pudlak syndrome 1 (HPS1). Also called: DELTA STORAGE POOL DISEASE. Identifiers: Orphanet 231500, Orphanet 79430, MedGen C2931875, MONDO:0008748, OMIM 203300.

gnomAD v4.1: 1 of 1,614,062 alleles (0.000062%); highest among the groups gnomAD compares: Non-Finnish European, 0.000085%; no homozygotes.

Submissions (4):

Labcorp Genetics (formerly Invitae), Labcorp
Classification: Pathogenic. Last evaluated: 2025-01-29. Review status: criteria provided, single submitter. Criteria: Invitae Variant Classification Sherloc (09022015). Collection method: clinical testing. Allele origin: germline.
Comment: This sequence change creates a premature translational stop signal (p.Glu133*) in the HPS1 gene. It is expected to result in an absent or disrupted protein product. Loss-of-function variants in HPS1 are known to be pathogenic (PMID: 12442288, 16185271). This variant is not present in population databases (gnomAD no frequency). This premature translational stop signal has been observed in individual(s) with Hermansky-Pudlak syndrome (PMID: 9705234). ClinVar contains an entry for this variant (Variation ID: 5281). For these reasons, this variant has been classified as Pathogenic.

Laboratory of Genetic Epidemiology, Research Centre for Medical Genetics
Classification: Pathogenic for Hermansky-Pudlak syndrome 1. Last evaluated: 2025-01-01. Review status: criteria provided, single submitter. Criteria: ACMG Guidelines, 2015. Collection method: clinical testing. Allele origin: maternal. Inheritance: Autosomal recessive inheritance. Affected: yes. Observed: 1 compound heterozygote.
Comment: This variant has been previously reported in the literature (PMIDs: 9705234, 25525159, 39457042) and is not listed in gnomAD v3.1.2. Taken together, the variant meets the following ACMG/AMP criteria and can be classified as pathogenic with PM2, PVS1, PM3, PP5 criteria.

Baylor Genetics
Classification: Pathogenic for Hermansky-Pudlak syndrome 1. Last evaluated: 2022-09-29. Review status: criteria provided, single submitter. Criteria: ACMG Guidelines, 2015. Collection method: clinical testing. Allele origin: unknown.

OMIM
Classification: Pathogenic for HERMANSKY-PUDLAK SYNDROME 1. Last evaluated: 1998-06-01. Review status: no assertion criteria provided. Collection method: literature only. Allele origin: germline. Not counted in ClinVar's aggregate classification.

Literature cited by the submitters: PubMed 12442288 (cited by Labcorp Genetics (formerly Invitae), Labcorp); PubMed 16185271 (cited by Labcorp Genetics (formerly Invitae), Labcorp); PubMed 9705234 (cited by 3 submitters); PubMed 25525159 (cited by Laboratory of Genetic Epidemiology, Research Centre for Medical Genetics); PubMed 39457042 (cited by Laboratory of Genetic Epidemiology, Research Centre for Medical Genetics); PubMed 41428507 (cited by Laboratory of Genetic Epidemiology, Research Centre for Medical Genetics).

NM_000195.5(HPS1):c.397G>T (p.Glu133Ter)

Gene: HPS1 (HPS1 biogenesis of lysosomal organelles complex 3 subunit 1; minus strand). Cytogenetic location: 10q24.2.
Variant type: single nucleotide variant.
Coding change: c.397G>T on transcript NM_000195.5 (MANE Select); coding-DNA position 397, G replaced by T.
Protein change: p.Glu133Ter; replaces glutamic acid 133 with a stop codon.
Molecular consequence: nonsense. On other transcripts: 5 prime UTR variant (2), intron variant (7).
Genome position (GRCh38, 1-based): chr10:98,435,273, C>A on the plus strand (G>T on the coding strand, the complement: HPS1 is on the minus strand). VCF-style: chr10-98435273-C-A. GRCh37 (hg19) VCF-style: chr10-100195030-C-A.
Other names: c.-520G>T (NM_001311345.2); c.397G>T, p.Glu133Ter (NM_001322476.2, NM_001322477.2, NM_001322478.2 and 5 more transcripts); c.-619G>T (NM_001322487.2); c.29+362G>T (NM_001322483.2, NM_001322485.2, NM_001322484.2); c.255+362G>T (NM_001322480.2, NM_001322482.2, NM_001322481.2); c.-519+362G>T (NM_001322489.2); short protein forms E133*.
Identifiers: ClinVar variation 5281 (VCV000005281.7), dbSNP rs121908386, ClinGen allele CA340388.